The following is an entry in ClinVar:

ClinVar aggregate classification (germline): Uncertain significance (1 of 4 stars; one submission).

Conditions:
Pitt-Hopkins-like syndrome 2 (PTHSL2). Identifiers: Orphanet 221150, Orphanet 600663, MedGen C3280479, MONDO:0013690, OMIM 614325.

gnomAD v4.1: 2 of 1,574,220 alleles (0.00013%); highest among the groups gnomAD compares: Non-Finnish European, 0.00017%; no homozygotes.

Submission:

Labcorp Genetics (formerly Invitae), Labcorp
Classification: Uncertain significance for Pitt-Hopkins-like syndrome 2. Last evaluated: 2024-03-18. Review status: criteria provided, single submitter. Criteria: Invitae Variant Classification Sherloc (09022015). Collection method: clinical testing. Allele origin: germline.
Comment: This sequence change replaces methionine, which is neutral and non-polar, with leucine, which is neutral and non-polar, at codon 54 of the NRXN1 protein (p.Met54Leu). This variant is not present in population databases (gnomAD no frequency). This variant has not been reported in the literature in individuals affected with NRXN1-related conditions. ClinVar contains an entry for this variant (Variation ID: 1350319). Algorithms developed to predict the effect of missense changes on protein structure and function output the following: SIFT: "Not Available"; PolyPhen-2: "Benign"; Align-GVGD: "Not Available". The leucine amino acid residue is found in multiple mammalian species, which suggests that this missense change does not adversely affect protein function. In summary, the available evidence is currently insufficient to determine the role of this variant in disease. Therefore, it has been classified as a Variant of Uncertain Significance.

NM_001330078.2(NRXN1):c.160A>C (p.Met54Leu)

Gene: NRXN1 (neurexin 1; minus strand). Cytogenetic location: 2p16.3.
Variant type: single nucleotide variant.
Coding change: c.160A>C on transcript NM_001330078.2 (MANE Select); coding-DNA position 160, A replaced by C.
Protein change: p.Met54Leu; replaces methionine 54 with leucine.
Molecular consequence: missense variant.
Genome position (GRCh38, 1-based): chr2:51,028,114, T>G on the plus strand (A>C on the coding strand, the complement: NRXN1 is on the minus strand). VCF-style: chr2-51028114-T-G. GRCh37 (hg19) VCF-style: chr2-51255252-T-G.
Other names: c.160A>C, p.Met54Leu (NM_001135659.3, NM_001330077.2, NM_001330079.2 and 15 more transcripts); short protein forms M54L.
Identifiers: ClinVar variation 1350319 (VCV001350319.8), dbSNP rs2105333796, ClinGen allele CA346824572.